The following is an entry in ClinVar:

NM_206933.4(USH2A):c.12823T>A (p.Ser4275Thr)

Gene: USH2A (usherin; minus strand). Cytogenetic location: 1q41.
Variant type: single nucleotide variant.
Coding change: c.12823T>A on transcript NM_206933.4 (MANE Select); coding-DNA position 12823, T replaced by A.
Protein change: p.Ser4275Thr; replaces serine 4275 with threonine.
Molecular consequence: missense variant.
Genome position (GRCh38, 1-based): chr1:215,675,088, A>T on the plus strand (T>A on the coding strand, the complement: USH2A is on the minus strand). VCF-style: chr1-215675088-A-T. GRCh37 (hg19) VCF-style: chr1-215848430-A-T.
Other names: short protein forms S4275T.
Identifiers: ClinVar variation 229619 (VCV000229619.57), dbSNP rs138607917, ClinGen allele CA1393401.

ClinVar aggregate classification (germline): Conflicting classifications of pathogenicity. Review status: criteria provided, conflicting classifications (1 of 4 stars). 13 submissions from 13 submitters: Uncertain significance (7); Likely benign (4). 2 of the submissions do not count toward it. Last evaluated 2026-07-01.

Conditions:
USH2A-related disorder. Also called: USH2A-related disorders; USH2A-related condition. Identifiers: MedGen CN239332.
Retinal dystrophy. Also called: Inherited retinal dystrophy. Identifiers: Orphanet 71862, MedGen C0854723, MeSH D058499, MONDO:0019118, HP:0000556.
Usher syndrome type 2A. Also called: RETINAL DISEASE IN USHER SYNDROME TYPE IIA, MODIFIER OF; USHER SYNDROME, TYPE IIA. Identifiers: Orphanet 231178, Orphanet 886, MedGen C1848634, MONDO:0010169, OMIM 276901.

Allele frequency attached by ClinVar (database versions not stated): 1000 Genomes Project 0.00020; 1000 Genomes Project 30x 0.00031; ExAC 0.00045; gnomAD 0.00060 and 0.00061; gnomAD exomes 0.00061 and 0.00111; ESP Exome Variant Server 0.00069; TOPMed 0.00071.
gnomAD v4.1: 1,741 of 1,614,140 alleles (0.11%); highest among the groups gnomAD compares: Non-Finnish European, 0.13%; no homozygotes.

Submissions (13):

CeGaT Center for Human Genetics Tuebingen
Classification: Likely benign. Last evaluated: 2026-07-01. Review status: criteria provided, single submitter. Criteria: CeGaT Center For Human Genetics Tuebingen Variant Classification Criteria Version 2. Collection method: clinical testing. Allele origin: germline. Affected: yes. Observed: 4 variant alleles.
Comment: USH2A: BP4

Labcorp Genetics (formerly Invitae), Labcorp
Classification: Likely benign. Last evaluated: 2026-02-02. Review status: criteria provided, single submitter. Criteria: Invitae Variant Classification Sherloc (09022015). Collection method: clinical testing. Allele origin: germline.

Blueprint Genetics
Classification: Likely benign. Last evaluated: 2024-11-21. Review status: criteria provided, single submitter. Criteria: ACMG Guidelines, 2015. Collection method: clinical testing. Allele origin: germline.

Women's Health and Genetics/Laboratory Corporation of America, LabCorp
Classification: Uncertain significance. Last evaluated: 2022-03-10. Review status: criteria provided, single submitter. Criteria: LabCorp Variant Classification Summary - May 2015. Collection method: clinical testing. Allele origin: germline.
Comment: Variant summary: USH2A c.12823T>A (p.Ser4275Thr) results in a conservative amino acid change located in the Fibronectin type III domain (IPR003961) of the encoded protein sequence. Five of five in-silico tools predict a benign effect of the variant on protein function. The variant allele was found at a frequency of 0.00062 in 251910 control chromosomes (gnomAD, Le Quesne Stabej_2012), predominantly at a frequency of 0.00097 within the Non-Finnish European subpopulation in the gnomAD database. This frequency is not significantly higher than expected for a pathogenic variant in USH2A causing Usher Syndrome (0.00062 vs 0.011), allowing no conclusion about variant significance. c.12823T>A has been reported in the literature in individuals affected with Retinitis Pigmentosa (Wang_2014, Haer-Wigman_2017, Costa_2017). These reports do not provide unequivocal conclusions about association of the variant with Usher Syndrome. To our knowledge, no experimental evidence demonstrating an impact on protein function has been reported. Eight ClinVar submitters have assessed the variant since 2014: all have classified the variant as of uncertain significance. Based on the evidence outlined above, the variant was classified as uncertain significance.

GeneDx
Classification: Likely benign. Last evaluated: 2022-03-07. Review status: criteria provided, single submitter. Criteria: GeneDx Variant Classification Process June 2021. Collection method: clinical testing. Allele origin: germline. Affected: yes.
Comment: In silico analysis supports that this missense variant does not alter protein structure/function; Identified in the heterozygous state in unrelated patients with retinitis pigmentosa in published literature (Wang et al., 2014; Costa et al., 2017; Haer-Wigman et al., 2017); however, clinical information was limited; This variant is associated with the following publications: (PMID: 28224992, 22135276, 28912962, 25097241)

Institute of Human Genetics, Univ. Regensburg, Univ. Regensburg
Classification: Uncertain significance for Retinal dystrophy. Last evaluated: 2022-01-01. Review status: criteria provided, single submitter. Criteria: ACMG Guidelines, 2015. Collection method: clinical testing. Allele origin: germline. Affected: yes.

Myriad Genetics, Inc.
Classification: Uncertain significance for Usher syndrome type 2A. Last evaluated: 2021-11-09. Review status: criteria provided, single submitter. Criteria: Myriad Women's Health Autosomal Recessive and X-Linked Classification Criteria (2021). Collection method: clinical testing. Allele origin: unknown.
Comment: NM_206933.2(USH2A):c.12823T>A(S4275T) is a missense variant classified as a variant of uncertain significance in the context of USH2A-related disorders. S4275T has been observed in cases with relevant disease (PMID: 28912962, 28224992, 25097241, 22135276). Functional assessments of this variant are not available in the literature. S4275T has been observed in population frequency databases (gnomAD: NFE 0.09%). In summary, there is insufficient evidence to classify NM_206933.2(USH2A):c.12823T>A(S4275T) as pathogenic or benign. Please note: this variant was assessed in the context of healthy population screening.

Athena Diagnostics
Classification: Uncertain significance. Last evaluated: 2018-12-31. Review status: criteria provided, single submitter. Criteria: Athena Diagnostics Criteria. Collection method: clinical testing. Allele origin: germline.

ARUP Laboratories, Molecular Genetics and Genomics, ARUP Laboratories
Classification: Uncertain significance. Last evaluated: 2018-04-12. Review status: criteria provided, single submitter. Criteria: ARUP Molecular Germline Variant Investigation Process. Collection method: clinical testing. Allele origin: germline.
Comment: The USH2A: p.Ser4275Thr variant (rs138607917) was reported in one individual from a cohort of patients with inherited eye disease subject to genetic testing (Haer-Wigman 2017). This variant is listed in the Genome Aggregation Database (gnomAD) with a frequency of 0.09 percent in the European non-Finnish population (identified on 119 out of 126,332 chromosomes) and has been reported to the ClinVar database (Variation ID: 229619). The serine at position 4275 is moderately conserved considering 12 species (Alamut v2.11) and computational analyses of the effects of the p.Ser4275Thr variant on protein structure and function provide conflicting results (SIFT: damaging, PolyPhen-2: benign). Altogether, there is not enough evidence to classify the p.Ser4275Thr variant with certainty.

Eurofins Ntd Llc (ga)
Classification: Uncertain significance. Last evaluated: 2016-10-06. Review status: criteria provided, single submitter. Criteria: EGL Classification Definitions 2015. Collection method: clinical testing. Allele origin: germline. Observed: 1 variant allele, 1 heterozygote.

Laboratory for Molecular Medicine, Mass General Brigham Personalized Medicine
Classification: Uncertain significance. Last evaluated: 2015-05-22. Review status: criteria provided, single submitter. Criteria: LMM Criteria. Collection method: clinical testing. Allele origin: germline. Observed: 1 variant allele.
Comment: Variant classified as Uncertain Significance - Favor Benign. The p.Ser4275Thr va riant in USH2A has previously been reported in one individual with Usher syndrom e and one individual with isolated retinitis pigmentosa; however, a variant affe cting the remaining copy of USH2A was not identified in either individual (Le Qu esne Stabej 2012, Wang 2014). This variant has been reported in 0.1% (48/66670) of European chromosomes by the Exome Aggregation Consortium (ExAC; dbSNP rs138607917); however, this frequency is not high enoug h to rule out a pathogenic role. Computational prediction tools and conservation analyses do not provide strong support for or against an impact to the protein. In summary, while the clinical significance of the p.Ser4275Thr variant is unce rtain, the available frequency data suggests that it is more likely to be benign .

PreventionGenetics, part of Exact Sciences
Classification: Uncertain significance for USH2A-related condition. Last evaluated: 2024-09-27. Review status: no assertion criteria provided. Collection method: clinical testing. Allele origin: germline. Not counted in ClinVar's aggregate classification.
Comment: The USH2A c.12823T>A variant is predicted to result in the amino acid substitution p.Ser4275Thr. This variant has been reported with uncertain significance in cohort studies of retinal disease (Haer-Wigman et al. 2017. PubMed ID: 28224992; Table S1, Weisschuh et al. 2024. PubMed ID: 37734845). This variant is reported in 0.096% of alleles in individuals of European (Non-Finnish) descent in gnomAD, which may be too common to be a primary cause of disease. At this time, the clinical significance of this variant is uncertain due to the absence of conclusive functional and genetic evidence.

Natera, Inc.
Classification: Uncertain significance for Usher syndrome type 2A. Last evaluated: 2020-01-10. Review status: no assertion criteria provided. Collection method: clinical testing. Allele origin: germline. Not counted in ClinVar's aggregate classification.

Literature cited by the submitters: PubMed 22135276 (cited by Women's Health and Genetics/Laboratory Corporation of America, LabCorp and Myriad Genetics, Inc.); PubMed 28224992 (cited by 4 submitters); PubMed 25097241 (cited by 3 submitters); PubMed 28912962 (cited by 3 submitters).